The following is an entry in ClinVar:

ClinVar aggregate classification (germline): Uncertain significance (1 of 4 stars; one submission).

gnomAD v4.1: 1 of 1,612,496 alleles (0.000062%); highest among the groups gnomAD compares: Non-Finnish European, 0.000085%; no homozygotes.

Submission:

GeneDx
Classification: Uncertain significance. Last evaluated: 2024-11-25. Review status: criteria provided, single submitter. Criteria: GeneDx Variant Classification Process June 2021. Collection method: clinical testing. Allele origin: germline. Affected: yes.
Comment: Not observed at significant frequency in large population cohorts (gnomAD); In silico analysis supports that this missense variant has a deleterious effect on protein structure/function; Has not been previously published as pathogenic or benign to our knowledge

NM_001395002.1(MAP4K4):c.1091A>G (p.Lys364Arg)

Gene: MAP4K4 (mitogen-activated protein kinase kinase kinase kinase 4; plus strand). Cytogenetic location: 2q11.2.
Variant type: single nucleotide variant.
Coding change: c.1091A>G on transcript NM_001395002.1 (MANE Select); coding-DNA position 1091, A replaced by G.
Protein change: p.Lys364Arg; replaces lysine 364 with arginine.
Molecular consequence: missense variant. On other transcripts: non-coding transcript variant (4).
Genome position (GRCh38, 1-based): chr2:101,844,169, A>G. VCF-style: chr2-101844169-A-G. GRCh37 (hg19) VCF-style: chr2-102460631-A-G.
Other names: c.1091A>G, p.Lys364Arg (NM_001242559.2, NM_001242560.2, NM_001384476.1 and 28 more transcripts); c.1064A>G, p.Lys355Arg (NM_001384549.1, NM_001384550.1, NM_001384551.1 and 16 more transcripts); short protein forms K355R, K364R.
Identifiers: ClinVar variation 3900101 (VCV003900101.1).